The following is an entry in ClinVar:

NM_005076.5(CNTN2):c.2549G>A (p.Arg850His)

Gene: CNTN2 (contactin 2; plus strand). Cytogenetic location: 1q32.1.
Variant type: single nucleotide variant.
Coding change: c.2549G>A on transcript NM_005076.5 (MANE Select); coding-DNA position 2549, G replaced by A.
Protein change: p.Arg850His; replaces arginine 850 with histidine.
Molecular consequence: missense variant. On other transcripts: non-coding transcript variant (1).
Genome position (GRCh38, 1-based): chr1:205,071,951, G>A. VCF-style: chr1-205071951-G-A. GRCh37 (hg19) VCF-style: chr1-205041079-G-A.
Other names: c.2549G>A, p.Arg850His (NM_001346083.2); short protein forms R850H.
Identifiers: ClinVar variation 944465 (VCV000944465.6), dbSNP rs548681626, ClinGen allele CA36376072.

ClinVar aggregate classification (germline): Uncertain significance. Review status: criteria provided, multiple submitters, no conflicts (2 of 4 stars). 2 submissions from 2 submitters: Uncertain significance (2). Last evaluated 2025-05-20.

Conditions:
Epilepsy, familial adult myoclonic, 5 (EPEO5). Also called: CORTICAL MYOCLONIC TREMOR WITH EPILEPSY, FAMILIAL, 5. Identifiers: Orphanet 86814, MedGen C3809374, MONDO:0014167, OMIM 615400.

Allele frequency attached by ClinVar (database versions not stated): gnomAD 0.00003 and 0.00002; 1000 Genomes Project 0.00020; gnomAD exomes 0.00002 and 0.00001; TOPMed 0.00003; 1000 Genomes Project 30x 0.00016.
gnomAD v4.1: 25 of 1,610,284 alleles (0.0016%); highest among the groups gnomAD compares: Middle Eastern, 0.051%; no homozygotes.

Submissions (2):

Ambry Genetics
Classification: Uncertain significance. Last evaluated: 2025-05-20. Review status: criteria provided, single submitter. Criteria: Ambry Variant Classification Scheme 2023. Collection method: clinical testing. Allele origin: germline.

Labcorp Genetics (formerly Invitae), Labcorp
Classification: Uncertain significance for Epilepsy, familial adult myoclonic, 5. Last evaluated: 2022-07-03. Review status: criteria provided, single submitter. Criteria: Invitae Variant Classification Sherloc (09022015). Collection method: clinical testing. Allele origin: germline.
Comment: This sequence change replaces arginine, which is basic and polar, with histidine, which is basic and polar, at codon 850 of the CNTN2 protein (p.Arg850His). This variant is present in population databases (rs548681626, gnomAD 0.02%). This variant has not been reported in the literature in individuals affected with CNTN2-related conditions. ClinVar contains an entry for this variant (Variation ID: 944465). Advanced modeling of protein sequence and biophysical properties (such as structural, functional, and spatial information, amino acid conservation, physicochemical variation, residue mobility, and thermodynamic stability) performed at Invitae indicates that this missense variant is not expected to disrupt CNTN2 protein function. In summary, the available evidence is currently insufficient to determine the role of this variant in disease. Therefore, it has been classified as a Variant of Uncertain Significance.